The following is an entry in ClinVar:

NM_022765.4(MICAL1):c.1228T>C (p.Phe410Leu)

Gene: MICAL1 (microtubule associated monooxygenase, calponin and LIM domain containing 1; minus strand). Cytogenetic location: 6q21.
Variant type: single nucleotide variant.
Coding change: c.1228T>C on transcript NM_022765.4 (MANE Select); coding-DNA position 1228, T replaced by C.
Protein change: p.Phe410Leu; replaces phenylalanine 410 with leucine.
Molecular consequence: missense variant.
Genome position (GRCh38, 1-based): chr6:109,450,049, A>G on the plus strand (T>C on the coding strand, the complement: MICAL1 is on the minus strand). VCF-style: chr6-109450049-A-G. GRCh37 (hg19) VCF-style: chr6-109771252-A-G.
Other names: c.970T>C, p.Phe324Leu (NM_001159291.2); c.1285T>C, p.Phe429Leu (NM_001286613.2); short protein forms F410L, F429L, F324L.
Identifiers: ClinVar variation 3715837 (VCV003715837.2).

ClinVar aggregate classification (germline): Uncertain significance (1 of 4 stars; one submission).

gnomAD v4.1: 1 of 1,614,090 alleles (0.000062%); highest among the groups gnomAD compares: African/African-American, 0.0013%; no homozygotes.

Submission:

Labcorp Genetics (formerly Invitae), Labcorp
Classification: Uncertain significance. Last evaluated: 2024-06-21. Review status: criteria provided, single submitter. Criteria: Invitae Variant Classification Sherloc (09022015). Collection method: clinical testing. Allele origin: germline.
Comment: This sequence change replaces phenylalanine, which is neutral and non-polar, with leucine, which is neutral and non-polar, at codon 429 of the MICAL1 protein (p.Phe429Leu). This variant is not present in population databases (gnomAD no frequency). This variant has not been reported in the literature in individuals affected with MICAL1-related conditions. An algorithm developed to predict the effect of missense changes on protein structure and function (PolyPhen-2) suggests that this variant is likely to be disruptive. In summary, the available evidence is currently insufficient to determine the role of this variant in disease. Therefore, it has been classified as a Variant of Uncertain Significance.